The following is an entry in ClinVar:

ClinVar aggregate classification (germline): Likely benign (1 of 4 stars; one submission).

Conditions:
Breast-ovarian cancer, familial, susceptibility to, 2 (BROVCA2). Also called: BRCA2 Hereditary Breast and Ovarian Cancer. Identifiers: Orphanet 145, MedGen C2675520, MONDO:0012933, OMIM 612555. Disease mechanism: loss of function.

gnomAD v4.1: 1 of 1,593,786 alleles (0.000063%); highest among the groups gnomAD compares: South Asian, 0.0011%; no homozygotes.

Submission:

Cancer Bioinformatics and Tumour Evolution Laboratory, Monash University
Classification: Likely benign for Breast-ovarian cancer, familial, susceptibility to, 2. Last evaluated: 2026-05-01. Review status: criteria provided, single submitter. Criteria: ClinGen BRCA1 and BRCA2 Guidelines, 2024. Collection method: curation. Allele origin: germline. Inheritance: Autosomal dominant inheritance.
Comment: Missense variant outside of a functional domain with no splice impact. BRCA1 and BRCA2 VCEP guidelines recommend application of BP1_Strong (PMID: 39142283)

NM_000059.4(BRCA2):c.3242G>T (p.Cys1081Phe)

Gene: BRCA2 (BRCA2 DNA repair associated; plus strand). Cytogenetic location: 13q13.1.
Variant type: single nucleotide variant.
Coding change: c.3242G>T on transcript NM_000059.4 (MANE Select); coding-DNA position 3242, G replaced by T.
Protein change: p.Cys1081Phe; replaces cysteine 1081 with phenylalanine.
Molecular consequence: missense variant. On other transcripts: non-coding transcript variant (1), intron variant (2).
Genome position (GRCh38, 1-based): chr13:32,337,597, G>T. VCF-style: chr13-32337597-G-T. GRCh37 (hg19) VCF-style: chr13-32911734-G-T.
Other names: c.3242G>T, p.Cys1081Phe (NM_001406719.1, NM_001406720.1, NM_001432077.1); c.1909+4210G>T (NM_001406721.1); c.424+6567G>T (NM_001406722.1); short protein forms C1081F.
Identifiers: ClinVar variation 4856436 (VCV004856436.1).
Genomic context (GRCh38, chr13:32,337,597, plus strand): 5'-AGCCTCAGTCAATTAATACTGTATCTGCACATTTACAGAGTAGTGTAGTTGTTTCTGATT[G>T]TAAAAATAGTCATATAACCCCTCAGATGTTATTTTCCAAGCAGGATTTTAATTCAAACCA-3'
Protein context (NP_000050.3, residues 1071-1091): HLQSSVVVSD[Cys1081Phe]KNSHITPQML